The following is an entry in ClinVar:

NM_001606.5(ABCA2):c.4245G>A (p.Val1415=)

Gene: ABCA2 (ATP binding cassette subfamily A member 2; minus strand). Cytogenetic location: 9q34.3.
Variant type: single nucleotide variant.
Coding change: c.4245G>A on transcript NM_001606.5 (MANE Select); coding-DNA position 4245, G replaced by A.
Protein change: p.Val1415=; no amino-acid change (valine 1415 retained).
Molecular consequence: synonymous variant.
Genome position (GRCh38, 1-based): chr9:137,014,034, C>T on the plus strand (G>A on the coding strand, the complement: ABCA2 is on the minus strand). VCF-style: chr9-137014034-C-T. GRCh37 (hg19) VCF-style: chr9-139908486-C-T.
Other names: c.4242G>A, p.Val1414= (NM_001411042.1); c.4335G>A, p.Val1445= (NM_212533.3).
Identifiers: ClinVar variation 3234374 (VCV003234374.20), dbSNP rs2491516506, ClinGen allele CA467844554.

ClinVar aggregate classification (germline): Likely benign (1 of 4 stars; one submission).

Submission:

CeGaT Center for Human Genetics Tuebingen
Classification: Likely benign. Last evaluated: 2026-05-01. Review status: criteria provided, single submitter. Criteria: CeGaT Center For Human Genetics Tuebingen Variant Classification Criteria Version 2. Collection method: clinical testing. Allele origin: germline. Affected: yes. Observed: 3 variant alleles.
Comment: ABCA2: PM2:Supporting, BP4, BP7